The following is an entry in ClinVar:

ClinVar aggregate classification (germline): Uncertain significance. Review status: criteria provided, multiple submitters, no conflicts (2 of 4 stars). 6 submissions from 6 submitters: Uncertain significance (6). Last evaluated 2025-07-01.

Conditions:
Cardiovascular phenotype. Identifiers: MedGen CN230736.
Cardiomyopathy (CMYO). Also called: Cardiomyopathies. Identifiers: Orphanet 167848, MedGen C0878544, MONDO:0004994, HP:0001638. Inheritance: Various modes of inheritance.
Arrhythmogenic right ventricular cardiomyopathy (ARVD). Also called: Arrhythmogenic cardiomyopathy; Cardiomyopathy, ARVC; Arrhythmogenic right ventricular dysplasia; Arrhythmogenic Right Ventricular Cardiomyopathy (ARVC). Identifiers: Orphanet 247, MedGen C0349788, MeSH D019571, MONDO:0016587. Disease mechanism: loss of function. Inheritance: Various modes of inheritance.
Arrhythmogenic right ventricular dysplasia 9 (ARVD9). Also called: Arrhythmogenic Right Ventricular Dysplasia/Cardiomyopathy 9; ARRHYTHMOGENIC RIGHT VENTRICULAR DYSPLASIA, FAMILIAL, 9. Identifiers: MedGen C1836906, MONDO:0012180, OMIM 609040.

Allele frequency attached by ClinVar (database versions not stated): TOPMed below 0.00001.

Submissions (6):

GeneDx
Classification: Uncertain significance. Last evaluated: 2025-07-01. Review status: criteria provided, single submitter. Criteria: GeneDx Variant Classification Process June 2021. Collection method: clinical testing. Allele origin: germline. Affected: yes.
Comment: Not observed at significant frequency in large population cohorts (gnomAD); In silico analysis supports that this missense variant has a deleterious effect on protein structure/function; Has not been previously published as pathogenic or benign to our knowledge

Ambry Genetics
Classification: Uncertain significance for Cardiovascular phenotype. Last evaluated: 2024-08-21. Review status: criteria provided, single submitter. Criteria: Ambry Variant Classification Scheme 2023. Collection method: clinical testing. Allele origin: germline.

Color Diagnostics, LLC DBA Color Health
Classification: Uncertain significance for Cardiomyopathy. Last evaluated: 2024-03-06. Review status: criteria provided, single submitter. Criteria: ACMG Guidelines, 2015. Collection method: clinical testing. Allele origin: germline.
Comment: This missense variant replaces glycine with valine at codon 818 of the PKP2 protein. Computational prediction suggests that this variant may not impact protein structure and function (internally defined REVEL score threshold <= 0.5, PMID: 27666373). To our knowledge, functional studies have not been reported for this variant. This variant has not been reported in individuals affected with PKP2-related disorders in the literature. This variant has been identified in 3/251464 chromosomes in the general population by the Genome Aggregation Database (gnomAD). The available evidence is insufficient to determine the role of this variant in disease conclusively. Therefore, this variant is classified as a Variant of Uncertain Significance.

All of Us Research Program, National Institutes of Health
Classification: Uncertain significance for Arrhythmogenic right ventricular cardiomyopathy. Last evaluated: 2023-12-01. Review status: criteria provided, single submitter. Criteria: ACMG Guidelines, 2015. Collection method: clinical testing. Allele origin: germline. Inheritance: Autosomal dominant inheritance. Observed: 2 variant alleles, 2 heterozygotes.
Comment: Variant of Uncertain Significance due to insufficient evidence: This missense variant is located in the armadillo repeat 9 of the PKP2 protein. Computational prediction tools and conservation analyses are inconclusive regarding the impact of this variant on the protein function. Computational splicing tools suggest that this variant may not impact RNA splicing. To our knowledge, functional assays have not been performed for this variant nor has this variant been reported in individuals affected with cardiovascular disorders in the literature. This variant is rare in the general population and has been identified in 3/246242 chromosomes by the Genome Aggregation Database (gnomAD). Available evidence is insufficient to determine the pathogenicity of this variant conclusively.

This study involves interpretation of variants in research participants for the purpose of population health screening. Participant phenotype was not available at the time of variant classification. Additional details can be found in publication PMID: 35346344, PMCID: PMC8962531

Labcorp Genetics (formerly Invitae), Labcorp
Classification: Uncertain significance for Arrhythmogenic right ventricular dysplasia 9. Last evaluated: 2022-07-19. Review status: criteria provided, single submitter. Criteria: Invitae Variant Classification Sherloc (09022015). Collection method: clinical testing. Allele origin: germline.
Comment: This sequence change replaces glycine, which is neutral and non-polar, with valine, which is neutral and non-polar, at codon 818 of the PKP2 protein (p.Gly818Val). This variant is present in population databases (no rsID available, gnomAD 0.003%). This variant has not been reported in the literature in individuals affected with PKP2-related conditions. ClinVar contains an entry for this variant (Variation ID: 629462). Algorithms developed to predict the effect of missense changes on protein structure and function are either unavailable or do not agree on the potential impact of this missense change (SIFT: "Deleterious"; PolyPhen-2: "Probably Damaging"; Align-GVGD: "Class C15"). In summary, the available evidence is currently insufficient to determine the role of this variant in disease. Therefore, it has been classified as a Variant of Uncertain Significance.

Fulgent Genetics
Classification: Uncertain significance for Arrhythmogenic right ventricular dysplasia 9. Last evaluated: 2021-07-25. Review status: criteria provided, single submitter. Criteria: ACMG Guidelines, 2015. Collection method: clinical testing. Allele origin: unknown.

NM_001005242.3(PKP2):c.2321G>T (p.Gly774Val)

Gene: PKP2 (plakophilin 2; minus strand). Cytogenetic location: 12p11.21.
Variant type: single nucleotide variant.
Coding change: c.2321G>T on transcript NM_001005242.3 (MANE Select); coding-DNA position 2321, G replaced by T.
Protein change: p.Gly774Val; replaces glycine 774 with valine.
Molecular consequence: missense variant.
Genome position (GRCh38, 1-based): chr12:32,796,145, C>A on the plus strand (G>T on the coding strand, the complement: PKP2 is on the minus strand). VCF-style: chr12-32796145-C-A. GRCh37 (hg19) VCF-style: chr12-32949079-C-A.
Other names: c.2453G>T, p.Gly818Val (NM_004572.4); short protein forms G818V, G774V.
Identifiers: ClinVar variation 629462 (VCV000629462.14), dbSNP rs1192534020, ClinGen allele CA384357598.